The following is an entry in ClinVar:

ClinVar aggregate classification (germline): Likely pathogenic. Review status: criteria provided, multiple submitters, no conflicts (2 of 4 stars). 6 submissions from 6 submitters: Likely pathogenic (5). 1 of the submissions does not count toward it. Last evaluated 2025-11-13.

Conditions:
Fanconi anemia complementation group J. Also called: BRIP1-Related Fanconi Anemia. Identifiers: Orphanet 84, MedGen C1836860, MONDO:0012187, OMIM 609054.
Familial cancer of breast. Also called: hereditary breast carcinoma; Hereditary breast cancer; BREAST CANCER, FAMILIAL. Identifiers: Orphanet 227535, MedGen C0346153, MONDO:0016419, OMIM 114480. Disease mechanism: loss of function.
Malignant tumor of breast. Also called: Malignant breast neoplasm; Cancer breast. Identifiers: MedGen C0006142, MONDO:0007254. Disease mechanism: loss of function.
Hereditary cancer-predisposing syndrome. Also called: Neoplastic Syndromes, Hereditary; Hereditary neoplastic syndrome; Hereditary Cancer Syndrome; Tumor predisposition. Identifiers: Orphanet 140162, MedGen C0027672, MeSH D009386, MONDO:0015356.

Submissions (6):

Labcorp Genetics (formerly Invitae), Labcorp
Classification: Likely pathogenic for Familial cancer of breast; Fanconi anemia complementation group J. Last evaluated: 2025-11-13. Review status: criteria provided, single submitter. Criteria: Invitae Variant Classification Sherloc (09022015). Collection method: clinical testing. Allele origin: germline.
Comment: This variant results in the deletion of part of exon 17 (c.2492_2492+5del) of the BRIP1 gene. It is expected to disrupt RNA splicing. Variants that disrupt the donor or acceptor splice site typically lead to a loss of protein function (PMID: 16199547), and loss-of-function variants in BRIP1 are known to be pathogenic (PMID: 16116423, 17033622, 21964575). This variant is not present in population databases (gnomAD no frequency). This variant has been observed in individual(s) with prostate cancer (PMID: 36623239). ClinVar contains an entry for this variant (Variation ID: 655150). Algorithms developed to predict the effect of sequence changes on RNA splicing suggest that this variant may disrupt the consensus splice site. In summary, the currently available evidence indicates that the variant is pathogenic, but additional data are needed to prove that conclusively. Therefore, this variant has been classified as Likely Pathogenic.

Ambry Genetics
Classification: Likely pathogenic for Hereditary cancer-predisposing syndrome. Last evaluated: 2025-07-18. Review status: criteria provided, single submitter. Criteria: Ambry Variant Classification Scheme 2023. Collection method: clinical testing. Allele origin: germline.
Comment: The c.2492_2492+5delGGTAAG variant results from a deletion of 6 nucleotides at positions c.2492 to c.2492+5 between coding exon 16 and intron 16 of the BRIP1 gene. This alteration was identified in an individual diagnosed with prostate cancer (Cheng HH et al. JCO Precis Oncol, 2023 Jan;7:e2200104). This variant is considered to be rare based on population cohorts in the Genome Aggregation Database (gnomAD). This nucleotide region is highly conserved in available vertebrate species. In silico splice site analysis predicts that this alteration will weaken the native splice donor site; however, direct evidence is insufficient at this time (Ambry internal data). Alterations that disrupt the canonical splice site are expected to cause aberrant splicing, resulting in an abnormal protein or a transcript that is subject to nonsense-mediated mRNA decay. As such, this alteration is classified as likely pathogenic.

Baylor Genetics
Classification: Likely pathogenic for Familial cancer of breast. Last evaluated: 2024-01-22. Review status: criteria provided, single submitter. Criteria: ACMG Guidelines, 2015. Collection method: clinical testing. Allele origin: unknown.

Myriad Genetics, Inc.
Classification: Likely pathogenic for Familial cancer of breast. Last evaluated: 2023-06-07. Review status: criteria provided, single submitter. Criteria: Myriad Autosomal Dominant, Autosomal Recessive and X-Linked Classification Criteria (2023). Collection method: clinical testing. Allele origin: unknown.
Comment: This variant is considered likely pathogenic. This variant occurs within a consensus splice junction and is predicted to result in abnormal mRNA splicing of either an out-of-frame exon or an in-frame exon necessary for protein stability and/or normal function.

Color Diagnostics, LLC DBA Color Health
Classification: Likely pathogenic for Hereditary cancer-predisposing syndrome. Last evaluated: 2021-03-16. Review status: criteria provided, single submitter. Criteria: ACMG Guidelines, 2015. Collection method: clinical testing. Allele origin: germline.
Comment: This variant deletes the last nucleotide of exon 17 and the first 5 nucleotides of intron 17 of the BRIP1 gene. Splice site prediction tools suggest that this variant may have a significant impact on RNA splicing. Although this prediction has not been confirmed in published RNA studies, this variant is expected to result in an absent or disrupted protein product. To our knowledge, this variant has not been reported in individuals affected with hereditary cancer in the literature. This variant has not been identified in the general population by the Genome Aggregation Database (gnomAD). Loss of BRIP1 function is a known mechanism of disease. Based on the available evidence, this variant is classified as Likely Pathogenic.

Department of Pathology and Laboratory Medicine, Sinai Health System
Classification: Pathogenic for Malignant tumor of breast. Review status: no assertion criteria provided. Collection method: clinical testing. Allele origin: unknown. Affected: yes. Study: The Canadian Open Genetics Repository (COGR). Not counted in ClinVar's aggregate classification.
Comment: The BRIP1 p.Arg831AsnfsX14 variant was not identified in the literature nor was it identified in the dbSNP, ClinVar, of the Zhejiang University Database. The variant was not identified in the following control databases: the 1000 Genomes Project, the NHLBI GO Exome Sequencing Project, the Exome Aggregation Consortium (August 8th 2016), or the Genome Aggregation Database (Feb 27, 2017). Although the consequence of this variant cannot be determined with certainty by DNA analysis, given that it occurs at a splice junction, the c.2492_2492+5del variant is predicted to cause a frameshift, which alters the protein's amino acid sequence beginning at codon 831 and leads to a premature stop codon 14 codons downstream. This alteration is predicted to result in a truncated or absent protein and loss of function. Loss of function variants of the BRIP1 gene are an established mechanism of disease in breast and ovarian cancer and is the type of variant expected to cause the disorder. In addition the c.2492_2492+5del variant is predicted to cause abnormal splicing because the nucleotide substitution occurs in the invariant region of the splice consensus sequence. In silico or computational prediction software programs (SpliceSiteFinder, MaxEntScan, NNSPLICE, GeneSplicer, HumanSpliceFinder) predict a greater than 10% difference in splicing. In summary, based on the above information this variant meets our laboratoryâ€šÃ„Ã´s criteria to be classified as pathogenic.

Literature cited by the submitters: PubMed 16199547 (cited by Labcorp Genetics (formerly Invitae), Labcorp); PubMed 16116423 (cited by Labcorp Genetics (formerly Invitae), Labcorp); PubMed 17033622 (cited by Labcorp Genetics (formerly Invitae), Labcorp); PubMed 21964575 (cited by Labcorp Genetics (formerly Invitae), Labcorp); PubMed 36623239 (cited by Labcorp Genetics (formerly Invitae), Labcorp and Ambry Genetics).

NM_032043.3(BRIP1):c.2492_2492+5del

Gene: BRIP1 (BRCA1 interacting DNA helicase 1; minus strand). Cytogenetic location: 17q23.2.
Variant type: Deletion.
Coding change: c.2492_2492+5del on transcript NM_032043.3 (MANE Select); coding-DNA position 2492 through 5 bases into the intron after coding-DNA position 2492, 6 bases deleted (GGTAAG; older notation c.2492_2492+5delGGTAAG).
Molecular consequence: splice donor variant.
Genome position (GRCh38, 1-based): chr17:61,715,946-61,715,951, CTTACC deleted on the plus strand (GGTAAG on the coding strand, the reverse complement: BRIP1 is on the minus strand). VCF-style (leftmost placement, unchanged base first): chr17-61715945-ACTTACC-A. GRCh37 (hg19) VCF-style: chr17-59793306-ACTTACC-A.
Other names: c.2492_2492+5delGGTAAG (NM_032043.2).
Identifiers: ClinVar variation 655150 (VCV000655150.22), dbSNP rs1603293306, ClinGen allele CA915950696.